The following is an entry in ClinVar:

NM_000542.5(SFTPB):c.741G>A (p.Gln247=)

Gene: SFTPB (surfactant protein B; minus strand). Cytogenetic location: 2p11.2.
Variant type: single nucleotide variant.
Coding change: c.741G>A on transcript NM_000542.5 (MANE Select); coding-DNA position 741, G replaced by A.
Protein change: p.Gln247=; no amino-acid change (glutamine 247 retained).
Molecular consequence: synonymous variant.
Genome position (GRCh38, 1-based): chr2:85,663,779, C>T on the plus strand (G>A on the coding strand, the complement: SFTPB is on the minus strand). VCF-style: chr2-85663779-C-T. GRCh37 (hg19) VCF-style: chr2-85890902-C-T.
Other names: c.741G>A, p.Gln247= (NM_001367281.2, NM_198843.4).
Identifiers: ClinVar variation 165203 (VCV000165203.5), dbSNP rs727503418, ClinGen allele CA177939.

ClinVar aggregate classification (germline): Likely benign (1 of 4 stars; one submission).

Allele frequency attached by ClinVar (database versions not stated): gnomAD exomes below 0.00001.
gnomAD v4.1: 6 of 1,605,012 alleles (0.00037%); highest among the groups gnomAD compares: Non-Finnish European, 0.00034%; no homozygotes.

Submission:

Laboratory for Molecular Medicine, Mass General Brigham Personalized Medicine
Classification: Likely benign. Last evaluated: 2013-10-30. Review status: criteria provided, single submitter. Criteria: LMM Criteria. Collection method: clinical testing. Allele origin: germline. Observed: 1 variant allele.
Comment: Gln259Gln in exon 8 of SFTPB: This variant is not expected to have clinical sign ificance because it does not alter an amino acid residue and is not located with in the splice consensus sequence.